The following is an entry in ClinVar:

ClinVar aggregate classification (germline): Uncertain significance. Review status: criteria provided, multiple submitters, no conflicts (2 of 4 stars). 3 submissions from 3 submitters: Uncertain significance (3). Last evaluated 2025-11-24.

Conditions:
Inborn genetic diseases. Identifiers: MedGen C0950123, MeSH D030342.
Fraser syndrome 1 (FRASRS1). Also called: CRYPTOPHTHALMOS WITH OTHER MALFORMATIONS. Identifiers: Orphanet 2052, MedGen C4551480, MONDO:0054737, OMIM 219000.

Allele frequency attached by ClinVar (database versions not stated): ExAC 0.00008; TOPMed 0.00012; gnomAD 0.00013; gnomAD exomes 0.00013 and 0.00014; ESP Exome Variant Server 0.00016.
gnomAD v4.1: 208 of 1,613,854 alleles (0.013%); highest among the groups gnomAD compares: Admixed American, 0.028%; no homozygotes.

Submissions (3):

Ambry Genetics
Classification: Uncertain significance for Inborn genetic diseases. Last evaluated: 2025-11-24. Review status: criteria provided, single submitter. Criteria: Ambry Variant Classification Scheme 2023. Collection method: clinical testing. Allele origin: germline.

Fulgent Genetics
Classification: Uncertain significance for Fraser syndrome 1. Last evaluated: 2024-04-29. Review status: criteria provided, single submitter. Criteria: ACMG Guidelines, 2015. Collection method: clinical testing. Allele origin: germline.

Labcorp Genetics (formerly Invitae), Labcorp
Classification: Uncertain significance. Last evaluated: 2022-09-19. Review status: criteria provided, single submitter. Criteria: Invitae Variant Classification Sherloc (09022015). Collection method: clinical testing. Allele origin: germline.
Comment: This sequence change replaces phenylalanine, which is neutral and non-polar, with serine, which is neutral and polar, at codon 645 of the FRAS1 protein (p.Phe645Ser). This variant is present in population databases (rs201057594, gnomAD 0.03%). This variant has not been reported in the literature in individuals affected with FRAS1-related conditions. ClinVar contains an entry for this variant (Variation ID: 1524848). Algorithms developed to predict the effect of missense changes on protein structure and function are either unavailable or do not agree on the potential impact of this missense change (SIFT: "Deleterious"; PolyPhen-2: "Possibly Damaging"; Align-GVGD: "Class C0"). In summary, the available evidence is currently insufficient to determine the role of this variant in disease. Therefore, it has been classified as a Variant of Uncertain Significance.

NM_025074.7(FRAS1):c.1934T>C (p.Phe645Ser)

Gene: FRAS1 (Fraser extracellular matrix complex subunit 1; plus strand). Cytogenetic location: 4q21.21.
Variant type: single nucleotide variant.
Coding change: c.1934T>C on transcript NM_025074.7 (MANE Select); coding-DNA position 1934, T replaced by C.
Protein change: p.Phe645Ser; replaces phenylalanine 645 with serine.
Molecular consequence: missense variant.
Genome position (GRCh38, 1-based): chr4:78,317,482, T>C. VCF-style: chr4-78317482-T-C. GRCh37 (hg19) VCF-style: chr4-79238636-T-C.
Other names: c.1934T>C, p.Phe645Ser (NM_001166133.2); c.1934T>C (NM_025074.6); short protein forms F645S.
Identifiers: ClinVar variation 1524848 (VCV001524848.6), dbSNP rs201057594, ClinGen allele CA2976490.